The following is an entry in ClinVar:

ClinVar aggregate classification (germline): Conflicting classifications of pathogenicity. Review status: criteria provided, conflicting classifications (1 of 4 stars). 6 submissions from 6 submitters: Uncertain significance (3); Likely benign (1). 2 of the submissions do not count toward it. Last evaluated 2025-06-12.

Conditions:
Alstrom syndrome (ALMS). Identifiers: Orphanet 64, MedGen C0268425, MONDO:0008763, OMIM 203800.
Cardiovascular phenotype. Identifiers: MedGen CN230736.

Allele frequency attached by ClinVar (database versions not stated): TOPMed 0.00005; ESP Exome Variant Server 0.00008.
gnomAD v4.1: 44 of 1,612,122 alleles (0.0027%); highest among the groups gnomAD compares: Non-Finnish European, 0.0031%; no homozygotes.

Submissions (6):

Ambry Genetics
Classification: Likely benign for Cardiovascular phenotype. Last evaluated: 2025-06-12. Review status: criteria provided, single submitter. Criteria: Ambry Variant Classification Scheme 2023. Collection method: clinical testing. Allele origin: germline.

Labcorp Genetics (formerly Invitae), Labcorp
Classification: Uncertain significance for Alstrom syndrome. Last evaluated: 2022-10-08. Review status: criteria provided, single submitter. Criteria: Invitae Variant Classification Sherloc (09022015). Collection method: clinical testing. Allele origin: germline.
Comment: This sequence change replaces glutamine, which is neutral and polar, with histidine, which is basic and polar, at codon 1543 of the ALMS1 protein (p.Gln1543His). The frequency data for this variant in the population databases is considered unreliable, as metrics indicate poor data quality at this position in the gnomAD database. This variant has not been reported in the literature in individuals affected with ALMS1-related conditions. ClinVar contains an entry for this variant (Variation ID: 554647). Experimental studies and prediction algorithms are not available or were not evaluated, and the functional significance of this variant is currently unknown. In summary, the available evidence is currently insufficient to determine the role of this variant in disease. Therefore, it has been classified as a Variant of Uncertain Significance.

Fulgent Genetics
Classification: Uncertain significance for Alstrom syndrome. Last evaluated: 2021-12-10. Review status: criteria provided, single submitter. Criteria: ACMG Guidelines, 2015. Collection method: clinical testing. Allele origin: unknown.

GeneDx
Classification: Uncertain significance. Last evaluated: 2021-02-05. Review status: criteria provided, single submitter. Criteria: GeneDx Variant Classification Process June 2021. Collection method: clinical testing. Allele origin: germline. Affected: yes.
Comment: Not observed at a significant frequency in large population cohorts (Lek et al., 2016); In silico analysis supports that this missense variant does not alter protein structure/function; Has not been previously published as pathogenic or benign to our knowledge

Natera, Inc.
Classification: Uncertain significance for Alstrom syndrome. Last evaluated: 2021-04-20. Review status: no assertion criteria provided. Collection method: clinical testing. Allele origin: germline. Not counted in ClinVar's aggregate classification.

Counsyl
Classification: Uncertain significance for Alstrom syndrome. Last evaluated: 2017-10-27. Review status: no assertion criteria provided. Collection method: clinical testing. Allele origin: unknown. Not counted in ClinVar's aggregate classification.

NM_001378454.1(ALMS1):c.4626A>C (p.Gln1542His)

Gene: ALMS1 (ALMS1 centrosome and basal body associated protein; plus strand). Cytogenetic location: 2p13.1.
Variant type: single nucleotide variant.
Coding change: c.4626A>C on transcript NM_001378454.1 (MANE Select); coding-DNA position 4626, A replaced by C.
Protein change: p.Gln1542His; replaces glutamine 1542 with histidine.
Molecular consequence: missense variant.
Genome position (GRCh38, 1-based): chr2:73,451,153, A>C. VCF-style: chr2-73451153-A-C. GRCh37 (hg19) VCF-style: chr2-73678280-A-C.
Other names: c.4629A>C, p.Gln1543His (NM_015120.4); short protein forms Q1543H, Q1542H.
Identifiers: ClinVar variation 554647 (VCV000554647.14), dbSNP rs201603580, ClinGen allele CA1713735.